The following is an entry in ClinVar:

ClinVar aggregate classification (germline): Likely pathogenic (1 of 4 stars; one submission).

Conditions:
Hereditary cancer-predisposing syndrome. Also called: Neoplastic Syndromes, Hereditary; Tumor predisposition; Hereditary neoplastic syndrome; Hereditary Cancer Syndrome. Identifiers: Orphanet 140162, MedGen C0027672, MeSH D009386, MONDO:0015356.
Cardiovascular phenotype. Identifiers: MedGen CN230736.

Submission:

Ambry Genetics
Classification: Likely pathogenic for Cardiovascular phenotype; Hereditary cancer-predisposing syndrome. Last evaluated: 2025-06-26. Review status: criteria provided, single submitter. Criteria: Ambry Variant Classification Scheme 2023. Collection method: clinical testing. Allele origin: germline.
Comment: The p.L2369W variant (also known as c.7106T>G), located in coding exon 47 of the NF1 gene, results from a T to G substitution at nucleotide position 7106. The leucine at codon 2369 is replaced by tryptophan, an amino acid with similar properties. This variant was reported in individual(s) with features consistent with neurofibromatosis type 1 (Cal&igrave; F et al. Eur J Med Genet, 2017 Feb;60:93-99; Ambry internal data). This variant is considered to be rare based on population cohorts in the Genome Aggregation Database (gnomAD). This amino acid position is highly conserved in available vertebrate species. In addition, this alteration is predicted to be deleterious by in silico analysis. Based on the majority of available evidence to date, this variant is likely to be pathogenic.

Literature cited by the submitters: PubMed 27838393.

NM_001042492.3(NF1):c.7169T>G (p.Leu2390Trp)

Gene: NF1 (neurofibromin 1; plus strand). Cytogenetic location: 17q11.2.
Variant type: single nucleotide variant.
Coding change: c.7169T>G on transcript NM_001042492.3 (MANE Select); coding-DNA position 7169, T replaced by G.
Protein change: p.Leu2390Trp; replaces leucine 2390 with tryptophan.
Molecular consequence: missense variant.
Genome position (GRCh38, 1-based): chr17:31,343,115, T>G. VCF-style: chr17-31343115-T-G. GRCh37 (hg19) VCF-style: chr17-29670133-T-G.
Other names: c.7106T>G, p.Leu2369Trp (NM_000267.4); short protein forms L2369W, L2390W.
Identifiers: ClinVar variation 826843 (VCV000826843.5), dbSNP rs1597851443, ClinGen allele CA399015747.
Genomic context (GRCh38, chr17:31,343,115, plus strand): 5'-ACTGCAAGCAAATGGATCATTTTGTTGGACTCAATTTCAACTCTAACTTTAACTTTGCAT[T>G]GGTTGGACACCTTTTAAAAGGTAAAAAAGCCTTATTTAGAATATTTTTATGAAGTACTAT-3'
Protein context (NP_001035957.1, residues 2380-2400): LNFNSNFNFA[Leu2390Trp]VGHLLKGYRH